The following is an entry in ClinVar:

ClinVar aggregate classification (germline): Uncertain significance. Review status: criteria provided, multiple submitters, no conflicts (2 of 4 stars). 3 submissions from 3 submitters: Uncertain significance (3). Last evaluated 2025-01-14.

Conditions:
Retinal dystrophy. Also called: Inherited retinal dystrophy. Identifiers: Orphanet 71862, MedGen C0854723, MeSH D058499, MONDO:0019118, HP:0000556.

gnomAD v4.1: 1 of 1,530,536 alleles (0.000065%); highest among the groups gnomAD compares: East Asian, 0.0023%; no homozygotes.

Submissions (3):

Labcorp Genetics (formerly Invitae), Labcorp
Classification: Uncertain significance. Last evaluated: 2025-01-14. Review status: criteria provided, single submitter. Criteria: Invitae Variant Classification Sherloc (09022015). Collection method: clinical testing. Allele origin: germline.
Comment: This sequence change replaces cysteine, which is neutral and slightly polar, with glycine, which is neutral and non-polar, at codon 385 of the EYS protein (p.Cys385Gly). This variant is not present in population databases (gnomAD no frequency). This variant has not been reported in the literature in individuals affected with EYS-related conditions. ClinVar contains an entry for this variant (Variation ID: 3027836). Invitae Evidence Modeling of protein sequence and biophysical properties (such as structural, functional, and spatial information, amino acid conservation, physicochemical variation, residue mobility, and thermodynamic stability) indicates that this missense variant is not expected to disrupt EYS protein function with a negative predictive value of 80%. Algorithms developed to predict the effect of sequence changes on RNA splicing suggest that this variant may disrupt the consensus splice site. In summary, the available evidence is currently insufficient to determine the role of this variant in disease. Therefore, it has been classified as a Variant of Uncertain Significance.

Dept Of Ophthalmology, Nagoya University
Classification: Uncertain significance for Retinal dystrophy. Last evaluated: 2023-10-01. Review status: criteria provided, single submitter. Criteria: Submitter's publication. Collection method: research. Allele origin: germline. Affected: yes.

Blueprint Genetics
Classification: Uncertain significance. Last evaluated: 2022-09-05. Review status: criteria provided, single submitter. Criteria: ACMG Guidelines, 2015. Collection method: clinical testing. Allele origin: germline.

NM_001142800.2(EYS):c.1153T>G (p.Cys385Gly)

Gene: EYS (EGF-like photoreceptor maintenance factor; minus strand). Cytogenetic location: 6q12.
Variant type: single nucleotide variant.
Coding change: c.1153T>G on transcript NM_001142800.2 (MANE Select); coding-DNA position 1153, T replaced by G.
Protein change: p.Cys385Gly; replaces cysteine 385 with glycine.
Molecular consequence: missense variant.
Genome position (GRCh38, 1-based): chr6:65,402,509, A>C on the plus strand (T>G on the coding strand, the complement: EYS is on the minus strand). VCF-style: chr6-65402509-A-C. GRCh37 (hg19) VCF-style: chr6-66112402-A-C.
Other names: c.1153T>G, p.Cys385Gly (NM_001142801.2, NM_001292009.2, NM_198283.2); short protein forms C385G.
Identifiers: ClinVar variation 3027836 (VCV003027836.3), dbSNP rs2150363774, ClinGen allele CA364662321.
Genomic context (GRCh38, chr6:65,402,509, plus strand): 5'-ATTAAAAATAAACAGAAAATTAATTATACCTGCAAGGATAATCTTTCTCACATTTCTTAC[A>C]TGTAGCATTATTCCTCAAAGGAAATGACTCACATGATGTTTGAATGCTCTTACAAAGCAA-3'
Protein context (NP_001136272.1, residues 375-395): ESFPLRNNAT[Cys385Gly]KKCEKDYPCS